The following is an entry in ClinVar:

NM_003737.4(DCHS1):c.4652G>A (p.Arg1551His)

Gene: DCHS1 (dachsous cadherin-related 1; minus strand). Cytogenetic location: 11p15.4.
Variant type: single nucleotide variant.
Coding change: c.4652G>A on transcript NM_003737.4 (MANE Select); coding-DNA position 4652, G replaced by A.
Protein change: p.Arg1551His; replaces arginine 1551 with histidine.
Molecular consequence: missense variant.
Genome position (GRCh38, 1-based): chr11:6,630,142, C>T on the plus strand (G>A on the coding strand, the complement: DCHS1 is on the minus strand). VCF-style: chr11-6630142-C-T. GRCh37 (hg19) VCF-style: chr11-6651373-C-T.
Other names: short protein forms R1551H.
Identifiers: ClinVar variation 3647308 (VCV003647308.2).

ClinVar aggregate classification (germline): Uncertain significance (1 of 4 stars; one submission).

gnomAD v4.1: 4 of 1,604,656 alleles (0.00025%); highest among the groups gnomAD compares: Non-Finnish European, 0.00034%; no homozygotes.

Submission:

Labcorp Genetics (formerly Invitae), Labcorp
Classification: Uncertain significance. Last evaluated: 2024-04-03. Review status: criteria provided, single submitter. Criteria: Invitae Variant Classification Sherloc (09022015). Collection method: clinical testing. Allele origin: germline.
Comment: This sequence change replaces arginine, which is basic and polar, with histidine, which is basic and polar, at codon 1551 of the DCHS1 protein (p.Arg1551His). The frequency data for this variant in the population databases is considered unreliable, as metrics indicate poor data quality at this position in the gnomAD database. This variant has not been reported in the literature in individuals affected with DCHS1-related conditions. Advanced modeling of protein sequence and biophysical properties (such as structural, functional, and spatial information, amino acid conservation, physicochemical variation, residue mobility, and thermodynamic stability) performed at Invitae indicates that this missense variant is not expected to disrupt DCHS1 protein function with a negative predictive value of 80%. In summary, the available evidence is currently insufficient to determine the role of this variant in disease. Therefore, it has been classified as a Variant of Uncertain Significance.